The following is an entry in ClinVar:

ClinVar aggregate classification (germline): Uncertain significance. Review status: criteria provided, multiple submitters, no conflicts (2 of 4 stars). 2 submissions from 2 submitters: Uncertain significance (2). Last evaluated 2023-03-01.

Conditions:
Autosomal dominant limb-girdle muscular dystrophy type 1D (DNAJB6) (LGMDD1). Also called: MUSCULAR DYSTROPHY, AUTOSOMAL DOMINANT, WITH RIMMED VACUOLES; MUSCULAR DYSTROPHY, LIMB-GIRDLE, TYPE 1D; Autosomal dominant limb-girdle muscular dystrophy type 1D; Muscular dystrophy, limb-girdle, autosomal dominant 1. Identifiers: Orphanet 34516, MedGen C4721885, MONDO:0021018, OMIM 603511.

Allele frequency attached by ClinVar (database versions not stated): TOPMed below 0.00001; ExAC 0.00001; gnomAD exomes 0.00001.

Submissions (2):

CeGaT Center for Human Genetics Tuebingen
Classification: Uncertain significance. Last evaluated: 2023-03-01. Review status: criteria provided, single submitter. Criteria: CeGaT Center For Human Genetics Tuebingen Variant Classification Criteria Version 2. Collection method: clinical testing. Allele origin: germline. Affected: yes. Observed: 1 variant allele.
Comment: DNAJB6: PM2

Labcorp Genetics (formerly Invitae), Labcorp
Classification: Uncertain significance for Autosomal dominant limb-girdle muscular dystrophy type 1D (DNAJB6). Last evaluated: 2022-11-08. Review status: criteria provided, single submitter. Criteria: Invitae Variant Classification Sherloc (09022015). Collection method: clinical testing. Allele origin: germline.
Comment: Advanced modeling of protein sequence and biophysical properties (such as structural, functional, and spatial information, amino acid conservation, physicochemical variation, residue mobility, and thermodynamic stability) performed at Invitae indicates that this missense variant is not expected to disrupt DNAJB6 protein function. This variant has not been reported in the literature in individuals affected with DNAJB6-related conditions. This variant is present in population databases (rs745938947, gnomAD 0.0009%). This sequence change replaces glycine, which is neutral and non-polar, with aspartic acid, which is acidic and polar, at codon 212 of the DNAJB6 protein (p.Gly212Asp). In summary, the available evidence is currently insufficient to determine the role of this variant in disease. Therefore, it has been classified as a Variant of Uncertain Significance.

NM_058246.4(DNAJB6):c.635G>A (p.Gly212Asp)

Gene: DNAJB6 (DnaJ heat shock protein family (Hsp40) member B6; plus strand). Cytogenetic location: 7q36.3.
Variant type: single nucleotide variant.
Coding change: c.635G>A on transcript NM_058246.4 (MANE Select); coding-DNA position 635, G replaced by A.
Protein change: p.Gly212Asp; replaces glycine 212 with aspartic acid.
Molecular consequence: missense variant. On other transcripts: intron variant (1).
Genome position (GRCh38, 1-based): chr7:157,385,555, G>A. VCF-style: chr7-157385555-G-A. GRCh37 (hg19) VCF-style: chr7-157178249-G-A.
Other names: c.635G>A, p.Gly212Asp (NM_005494.3); c.346+18072G>A (NM_001363676.1); short protein forms G212D.
Identifiers: ClinVar variation 1984462 (VCV001984462.32), dbSNP rs745938947, ClinGen allele CA4590598.
Genomic context (GRCh38, chr7:157,385,555, plus strand): 5'-CATTTTCTTTACCAGAAAGGTTTTTAAATGAATTTTTTTCCTACAGAATTGTCGAGAACG[G>A]TCAAGAAAGAGTAGAAGTTGAAGAAGATGGCCAGTTAAAGTCCTTAACAATAAATGGTAA-3'
Protein context (NP_490647.1, residues 202-222): KITTKRIVEN[Gly212Asp]QERVEVEEDG